The following is an entry in ClinVar:

ClinVar aggregate classification (germline): Uncertain significance (1 of 4 stars; one submission).

Allele frequency attached by ClinVar (database versions not stated): gnomAD 0.00001.
gnomAD v4.1: 1 of 1,612,912 alleles (0.000062%); highest among the groups gnomAD compares: African/African-American, 0.0013%; no homozygotes.

Submission:

Labcorp Genetics (formerly Invitae), Labcorp
Classification: Uncertain significance. Last evaluated: 2023-04-29. Review status: criteria provided, single submitter. Criteria: Invitae Variant Classification Sherloc (09022015). Collection method: clinical testing. Allele origin: germline.
Comment: This sequence change replaces histidine, which is basic and polar, with asparagine, which is neutral and polar, at codon 508 of the CFB protein (p.His508Asn). This variant is not present in population databases (gnomAD no frequency). This variant has not been reported in the literature in individuals affected with CFB-related conditions. Advanced modeling of protein sequence and biophysical properties (such as structural, functional, and spatial information, amino acid conservation, physicochemical variation, residue mobility, and thermodynamic stability) performed at Invitae indicates that this missense variant is not expected to disrupt CFB protein function. In summary, the available evidence is currently insufficient to determine the role of this variant in disease. Therefore, it has been classified as a Variant of Uncertain Significance.

NM_001710.6(CFB):c.1522C>A (p.His508Asn)

Gene: CFB (complement factor B; plus strand). Cytogenetic location: 6p21.33.
Variant type: single nucleotide variant.
Coding change: c.1522C>A on transcript NM_001710.6 (MANE Select); coding-DNA position 1522, C replaced by A.
Protein change: p.His508Asn; replaces histidine 508 with asparagine.
Molecular consequence: missense variant.
Genome position (GRCh38, 1-based): chr6:31,950,301, C>A. VCF-style: chr6-31950301-C-A. GRCh37 (hg19) VCF-style: chr6-31918078-C-A.
Other names: short protein forms H508N.
Identifiers: ClinVar variation 2860552 (VCV002860552.3), dbSNP rs1378554389, ClinGen allele CA363407627.